The following is an entry in ClinVar:

ClinVar aggregate classification (germline): Uncertain significance. Review status: criteria provided, multiple submitters, no conflicts (2 of 4 stars). 3 submissions from 3 submitters: Uncertain significance (3). Last evaluated 2025-08-31.

Conditions:
Progressive myoclonic epilepsy type 5. Identifiers: Orphanet 402082, MedGen C5190799.

Allele frequency attached by ClinVar (database versions not stated): TOPMed 0.00001; ExAC 0.00002; gnomAD exomes 0.00002.
gnomAD v4.1: 18 of 1,613,580 alleles (0.0011%); highest among the groups gnomAD compares: Admixed American, 0.012%; no homozygotes.

Submissions (3):

Labcorp Genetics (formerly Invitae), Labcorp
Classification: Uncertain significance for Progressive myoclonic epilepsy type 5. Last evaluated: 2025-08-31. Review status: criteria provided, single submitter. Criteria: Invitae Variant Classification Sherloc (09022015). Collection method: clinical testing. Allele origin: germline.
Comment: This sequence change replaces leucine, which is neutral and non-polar, with valine, which is neutral and non-polar, at codon 77 of the PRICKLE2 protein (p.Leu77Val). This variant is present in population databases (rs765702961, gnomAD 0.01%). This variant has not been reported in the literature in individuals affected with PRICKLE2-related conditions. ClinVar contains an entry for this variant (Variation ID: 284190). Invitae Evidence Modeling of protein sequence and biophysical properties (such as structural, functional, and spatial information, amino acid conservation, physicochemical variation, residue mobility, and thermodynamic stability) indicates that this missense variant is expected to disrupt PRICKLE2 protein function with a positive predictive value of 80%. In summary, the available evidence is currently insufficient to determine the role of this variant in disease. Therefore, it has been classified as a Variant of Uncertain Significance.

Ambry Genetics
Classification: Uncertain significance. Last evaluated: 2025-08-21. Review status: criteria provided, single submitter. Criteria: Ambry Variant Classification Scheme 2023. Collection method: clinical testing. Allele origin: germline.

Eurofins Ntd Llc (ga)
Classification: Uncertain significance. Last evaluated: 2015-11-18. Review status: criteria provided, single submitter. Criteria: EGL Classification Definitions 2015. Collection method: clinical testing. Allele origin: germline. Observed: 1 variant allele, 1 heterozygote.

NM_198859.4(PRICKLE2):c.229C>G (p.Leu77Val)

Gene: PRICKLE2 (prickle planar cell polarity protein 2; minus strand). Cytogenetic location: 3p14.1.
Variant type: single nucleotide variant.
Coding change: c.229C>G on transcript NM_198859.4 (MANE Select); coding-DNA position 229, C replaced by G.
Protein change: p.Leu77Val; replaces leucine 77 with valine.
Molecular consequence: missense variant.
Genome position (GRCh38, 1-based): chr3:64,163,045, G>C on the plus strand (C>G on the coding strand, the complement: PRICKLE2 is on the minus strand). VCF-style: chr3-64163045-G-C. GRCh37 (hg19) VCF-style: chr3-64148721-G-C.
Other names: c.229C>G, p.Leu77Val (NM_001370528.1); c.229C>G (NM_198859.3); short protein forms L77V.
Identifiers: ClinVar variation 284190 (VCV000284190.13), dbSNP rs765702961, ClinGen allele CA2479892.